The following is an entry in ClinVar:

NM_177438.3(DICER1):c.2040dup (p.Gly681fs)

Gene: DICER1 (dicer 1, ribonuclease III; minus strand). Cytogenetic location: 14q32.13.
Variant type: Duplication.
Coding change: c.2040dup on transcript NM_177438.3 (MANE Select); coding-DNA position 2040, one base duplicated (T; older notation c.2040dupT).
Protein change: p.Gly681fs; shifts the reading frame from glycine 681.
Molecular consequence: frameshift variant. On other transcripts: non-coding transcript variant (6).
Genome position (GRCh38, 1-based): chr14:95,113,092, A duplicated on the plus strand (T on the coding strand, the reverse complement: DICER1 is on the minus strand); the first of 2 consecutive A bases (chr14:95,113,092-95,113,093); duplicating either gives the same sequence. VCF-style (leftmost placement, unchanged base first): chr14-95113091-C-CA. GRCh37 (hg19) VCF-style: chr14-95579428-C-CA.
Other names: c.2040dup, p.Gly681fs (NM_001195573.1, NM_001271282.3, NM_001291628.2 and 12 more transcripts); c.2039dup, p.Gly681Trpfs (NM_001395681.1); c.1758dup, p.Gly587fs (NM_001395686.1); c.1635dup, p.Gly546fs (NM_001395687.1, NM_001395688.1, NM_001395689.1 and 3 more transcripts); c.1473dup, p.Gly492fs (NM_001395691.1); c.357dup, p.Gly120fs (NM_001395697.1); short protein forms G546fs, G681fs, G120fs, G492fs, G587fs.
Identifiers: ClinVar variation 2757173 (VCV002757173.3), dbSNP rs2542951728, ClinGen allele CA2697554111.
Genomic context (GRCh38, chr14:95,113,091, plus strand): 5'-TGAAAAAATCCACTAATGACACATTTTAAAAGATAACAATCATTTCTTCTTCTAAACTTA[C>CA]AACAATGGAGGCTCGAAGAGGTGAGTTAATTGGCAGATAAAGAGTTGAATAAAATGTACC-3'

ClinVar aggregate classification (germline): Pathogenic (1 of 4 stars; one submission).

Conditions:
DICER1-related tumor predisposition. Also called: DICER1-related pleuropulmonary blastoma cancer predisposition syndrome; DICER1 syndrome. Identifiers: Orphanet 284343, MedGen C3839822, MONDO:0100216.

Submission:

Labcorp Genetics (formerly Invitae), Labcorp
Classification: Pathogenic for DICER1-related tumor predisposition. Last evaluated: 2023-10-31. Review status: criteria provided, single submitter. Criteria: Invitae Variant Classification Sherloc (09022015). Collection method: clinical testing. Allele origin: germline.
Comment: This sequence change creates a premature translational stop signal (p.Gly681Trpfs*11) in the DICER1 gene. It is expected to result in an absent or disrupted protein product. Loss-of-function variants in DICER1 are known to be pathogenic (PMID: 19556464, 21266384). This variant is not present in population databases (gnomAD no frequency). This variant has not been reported in the literature in individuals affected with DICER1-related conditions. Algorithms developed to predict the effect of sequence changes on RNA splicing suggest that this variant may disrupt the consensus splice site. For these reasons, this variant has been classified as Pathogenic.

Literature cited by the submitters: PubMed 19556464; PubMed 21266384.